The following is an entry in ClinVar:

NM_014846.4(WASHC5):c.1074T>C (p.Asn358=)

Gene: WASHC5 (WASH complex subunit 5; minus strand). Cytogenetic location: 8q24.13.
Variant type: single nucleotide variant.
Coding change: c.1074T>C on transcript NM_014846.4 (MANE Select); coding-DNA position 1074, T replaced by C.
Protein change: p.Asn358=; no amino-acid change (asparagine 358 retained).
Molecular consequence: synonymous variant.
Genome position (GRCh38, 1-based): chr8:125,073,229, A>G on the plus strand (T>C on the coding strand, the complement: WASHC5 is on the minus strand). VCF-style: chr8-125073229-A-G. GRCh37 (hg19) VCF-style: chr8-126085471-A-G.
Other names: c.1074T>C (NM_014846.3); c.630T>C, p.Asn210= (NM_001330609.2).
Identifiers: ClinVar variation 2194537 (VCV002194537.6), dbSNP rs545692973, ClinGen allele CA4873942.
Genomic context (GRCh38, chr8:125,073,229, plus strand): 5'-AAGCATCAGCCATCGGATGGCAACATTGCAGTCTCTCAGGCAGTTCAGAAGCTTTGGGAT[A>G]TTGTCCAGAACCATCTCCTCCCTTAAATAACCTTCTTTTAGAAATTGCTGCACTTGAGCA-3'
Protein context (NP_055661.3, residues 348-368): GYLREEMVLD[Asn358=]IPKLLNCLRD

ClinVar aggregate classification (germline): Likely benign. Review status: criteria provided, single submitter (1 of 4 stars). 2 submissions from 2 submitters: Likely benign (1). 1 of the submissions does not count toward it. Last evaluated 2022-08-20.

Conditions:
Hereditary spastic paraplegia 8 (SPG8). Also called: SPASTIC PARAPLEGIA 8, AUTOSOMAL DOMINANT. Identifiers: Orphanet 100989, MedGen C1863704, MONDO:0011339, OMIM 603563.
Ritscher-Schinzel syndrome. Also called: CRANIOCEREBELLOCARDIAC DYSPLASIA. Identifiers: Orphanet 7, MedGen C0796137, MONDO:0019078.
WASHC5-related disorder. Also called: WASHC5-related condition.

Allele frequency attached by ClinVar (database versions not stated): ExAC 0.00019; 1000 Genomes Project 30x 0.00016; gnomAD 0.00001; TOPMed 0.00001; gnomAD exomes 0.00006; 1000 Genomes Project 0.00020.
gnomAD v4.1: 97 of 1,614,106 alleles (0.006%); highest among the groups gnomAD compares: South Asian, 0.094%; 1 homozygote.

Submissions (2):

Labcorp Genetics (formerly Invitae), Labcorp
Classification: Likely benign for Ritscher-Schinzel syndrome; Hereditary spastic paraplegia 8. Last evaluated: 2022-08-20. Review status: criteria provided, single submitter. Criteria: Invitae Variant Classification Sherloc (09022015). Collection method: clinical testing. Allele origin: germline.

PreventionGenetics, part of Exact Sciences
Classification: Likely benign for WASHC5-related condition. Last evaluated: 2020-01-08. Review status: no assertion criteria provided. Collection method: clinical testing. Allele origin: germline. Not counted in ClinVar's aggregate classification.
Comment: This variant is classified as likely benign based on ACMG/AMP sequence variant interpretation guidelines (Richards et al. 2015 PMID: 25741868, with internal and published modifications).